The following is an entry in ClinVar:

ClinVar aggregate classification (germline): Benign/Likely benign. Review status: criteria provided, multiple submitters, no conflicts (2 of 4 stars). 2 submissions from 2 submitters: Benign (1); Likely benign (1). Last evaluated 2026-07-14.

Conditions:
Hereditary cancer-predisposing syndrome. Also called: Hereditary neoplastic syndrome; Neoplastic Syndromes, Hereditary; Tumor predisposition; Hereditary Cancer Syndrome. Identifiers: Orphanet 140162, MedGen C0027672, MeSH D009386, MONDO:0015356.
Rhabdoid tumor predisposition syndrome 2 (RTPS2). Identifiers: Orphanet 231108, Orphanet 69077, MedGen C2750074, MONDO:0013224, OMIM 613325.

Submissions (2):

Myriad Genetics, Inc.
Classification: Benign for Rhabdoid tumor predisposition syndrome 2. Last evaluated: 2026-07-14. Review status: criteria provided, single submitter. Criteria: Myriad Autosomal Dominant, Autosomal Recessive and X-Linked Classification Criteria (2023). Collection method: clinical testing. Allele origin: unknown.
Comment: This variant is considered benign. This variant is a silent/synonymous amino acid change and it is not expected to impact splicing.

Ambry Genetics
Classification: Likely benign for Hereditary cancer-predisposing syndrome. Last evaluated: 2019-08-29. Review status: criteria provided, single submitter. Criteria: Ambry Variant Classification Scheme 2023. Collection method: clinical testing. Allele origin: germline.

NM_003072.5(SMARCA4):c.3198T>G (p.Thr1066=)

Gene: SMARCA4 (SWI/SNF related BAF chromatin remodeling complex subunit ATPase 4; plus strand). Cytogenetic location: 19p13.2.
Variant type: single nucleotide variant.
Coding change: c.3198T>G on transcript NM_003072.5 (MANE Select); coding-DNA position 3198, T replaced by G.
Protein change: p.Thr1066=; no amino-acid change (threonine 1066 retained).
Molecular consequence: synonymous variant. On other transcripts: non-coding transcript variant (1).
Genome position (GRCh38, 1-based): chr19:11,026,329, T>G. VCF-style: chr19-11026329-T-G. GRCh37 (hg19) VCF-style: chr19-11137005-T-G.
Other names: c.3198T>G, p.Thr1066= (NM_001128844.3, NM_001128845.2, NM_001128846.2 and 4 more transcripts).
Identifiers: ClinVar variation 823151 (VCV000823151.5), dbSNP rs1600320777, ClinGen allele CA505491501.